The following is an entry in ClinVar:

ClinVar aggregate classification (germline): Conflicting classifications of pathogenicity. Review status: criteria provided, conflicting classifications (1 of 4 stars). 8 submissions from 8 submitters: Uncertain significance (4); Benign (1); Likely benign (3). Last evaluated 2026-01-25.

Conditions:
Hereditary cancer-predisposing syndrome. Also called: Tumor predisposition; Neoplastic Syndromes, Hereditary; Hereditary Cancer Syndrome; Hereditary neoplastic syndrome. Identifiers: Orphanet 140162, MedGen C0027672, MeSH D009386, MONDO:0015356.
Tuberous sclerosis syndrome (TSC). Also called: Tuberous Sclerosis Complex; Tuberous sclerosis. Identifiers: Orphanet 805, MedGen C0041341, MONDO:0001734.
Tuberous sclerosis 2 (TSC2). Identifiers: Orphanet 805, MedGen C1860707, MONDO:0013199, OMIM 613254.

Allele frequency attached by ClinVar (database versions not stated): ESP Exome Variant Server 0.00008; TOPMed 0.00001; gnomAD exomes 0.00002 and 0.00006; ExAC 0.00003; gnomAD 0.00003 and 0.00004.

Submissions (8):

Labcorp Genetics (formerly Invitae), Labcorp
Classification: Benign for Tuberous sclerosis 2. Last evaluated: 2026-01-25. Review status: criteria provided, single submitter. Criteria: Invitae Variant Classification Sherloc (09022015). Collection method: clinical testing. Allele origin: germline.

Blueprint Genetics
Classification: Likely benign. Last evaluated: 2024-11-08. Review status: criteria provided, single submitter. Criteria: ACMG Guidelines, 2015. Collection method: clinical testing. Allele origin: germline.

CeGaT Center for Human Genetics Tuebingen
Classification: Uncertain significance. Last evaluated: 2024-10-01. Review status: criteria provided, single submitter. Criteria: CeGaT Center For Human Genetics Tuebingen Variant Classification Criteria Version 2. Collection method: clinical testing. Allele origin: germline. Affected: yes. Observed: 1 variant allele.

All of Us Research Program, National Institutes of Health
Classification: Uncertain significance for Tuberous sclerosis syndrome. Last evaluated: 2024-07-20. Review status: criteria provided, single submitter. Criteria: ACMG Guidelines, 2015. Collection method: clinical testing. Allele origin: germline. Inheritance: Autosomal dominant inheritance. Observed: 16 variant alleles, 16 heterozygotes.
Comment: This missense variant replaces glutamic acid with lysine at codon 1476 of the TSC2 protein. Computational prediction is inconclusive regarding the impact of this variant on protein structure and function (internally defined REVEL score threshold 0.5 < inconclusive < 0.7, PMID: 27666373). To our knowledge, functional studies have not been reported for this variant. This variant has not been reported in individuals affected with tuberous sclerosis complex in the literature. This variant has been identified in 6/269274 chromosomes in the general population by the Genome Aggregation Database (gnomAD). The available evidence is insufficient to determine the role of this variant in disease conclusively. Therefore, this variant is classified as a Variant of Uncertain Significance.

This study involves interpretation of variants in research participants for the purpose of population health screening. Participant phenotype was not available at the time of variant classification. Additional details can be found in publication PMID: 35346344, PMCID: PMC8962531

Color Diagnostics, LLC DBA Color Health
Classification: Uncertain significance for Tuberous sclerosis syndrome. Last evaluated: 2024-04-24. Review status: criteria provided, single submitter. Criteria: ACMG Guidelines, 2015. Collection method: clinical testing. Allele origin: germline.
Comment: This missense variant replaces glutamic acid with lysine at codon 1476 of the TSC2 protein. Computational prediction is inconclusive regarding the impact of this variant on protein structure and function. To our knowledge, functional studies have not been reported for this variant. This variant has not been reported in individuals affected with TSC2-related disorders in the literature. This variant has been identified in 6/269274 chromosomes in the general population by the Genome Aggregation Database (gnomAD). The available evidence is insufficient to determine the role of this variant in disease conclusively. Therefore, this variant is classified as a Variant of Uncertain Significance.

Genome-Nilou Lab
Classification: Likely benign for Tuberous sclerosis 2. Last evaluated: 2021-11-07. Review status: criteria provided, single submitter. Criteria: ACMG Guidelines, 2015. Collection method: clinical testing. Allele origin: germline. Affected: no.

Ambry Genetics
Classification: Likely benign for Hereditary cancer-predisposing syndrome. Last evaluated: 2021-05-07. Review status: criteria provided, single submitter. Criteria: Ambry Variant Classification Scheme 2023. Collection method: clinical testing. Allele origin: germline.

GeneDx
Classification: Uncertain significance. Last evaluated: 2014-03-21. Review status: criteria provided, single submitter. Criteria: GeneDx Variant Classification (06012015). Collection method: clinical testing. Allele origin: germline. Affected: yes.
Comment: The variant is found in EPILEPSY,INFANT-EPI panel(s).

Literature cited by the submitters: PubMed 28250423 (cited by Ambry Genetics).

NM_000548.5(TSC2):c.4426G>A (p.Glu1476Lys)

Gene: TSC2 (TSC complex subunit 2; plus strand). Cytogenetic location: 16p13.3.
Variant type: single nucleotide variant.
Coding change: c.4426G>A on transcript NM_000548.5 (MANE Select); coding-DNA position 4426, G replaced by A.
Protein change: p.Glu1476Lys; replaces glutamic acid 1476 with lysine.
Molecular consequence: missense variant.
Genome position (GRCh38, 1-based): chr16:2,084,648, G>A. VCF-style: chr16-2084648-G-A. GRCh37 (hg19) VCF-style: chr16-2134649-G-A.
Other names: p.E1476K:GAG>AAG; c.4225G>A, p.Glu1409Lys (NM_001077183.3); c.4357G>A, p.Glu1453Lys (NM_001114382.3); c.4117G>A, p.Glu1373Lys (NM_001318827.2); c.4081G>A, p.Glu1361Lys (NM_001318829.2); c.3694G>A, p.Glu1232Lys (NM_001318831.2); c.4258G>A, p.Glu1420Lys (NM_001318832.2); c.4228G>A, p.Glu1410Lys (NM_001363528.2); and 2 more; short protein forms E1476K, E1420K, E1432K, E1433K, E1373K, E1409K, E1410K, E1232K.
Identifiers: ClinVar variation 207685 (VCV000207685.36), dbSNP rs376946970, ClinGen allele CA051101.